The following is an entry in ClinVar:

ClinVar aggregate classification (germline): Uncertain significance. Review status: criteria provided, multiple submitters, no conflicts (2 of 4 stars). 6 submissions from 6 submitters: Uncertain significance (6). Last evaluated 2024-12-18.

Conditions:
Cardiovascular phenotype. Identifiers: MedGen CN230736.
Arrhythmogenic right ventricular dysplasia 9 (ARVD9). Also called: Arrhythmogenic Right Ventricular Dysplasia/Cardiomyopathy 9; ARRHYTHMOGENIC RIGHT VENTRICULAR DYSPLASIA, FAMILIAL, 9. Identifiers: MedGen C1836906, MONDO:0012180, OMIM 609040.
Arrhythmogenic right ventricular cardiomyopathy (ARVD). Also called: Arrhythmogenic Right Ventricular Cardiomyopathy (ARVC); Cardiomyopathy, ARVC; Arrhythmogenic right ventricular dysplasia; Arrhythmogenic cardiomyopathy. Identifiers: Orphanet 247, MedGen C0349788, MeSH D019571, MONDO:0016587. Disease mechanism: loss of function. Inheritance: Various modes of inheritance.
Primary dilated cardiomyopathy (DCM). Also called: Dilated Cardiomyopathy. Identifiers: Orphanet 217604, MedGen C0007193, MeSH D002311, MONDO:0005021, HP:0001644. Inheritance: Various modes of inheritance.
Cardiomyopathy (CMYO). Also called: Cardiomyopathies. Identifiers: Orphanet 167848, MedGen C0878544, MONDO:0004994, HP:0001638. Inheritance: Various modes of inheritance.

Allele frequency attached by ClinVar (database versions not stated): gnomAD exomes 0.00001; gnomAD 0.00002 and 0.00003; TOPMed 0.00002.
gnomAD v4.1: 20 of 1,613,634 alleles (0.0012%); highest among the groups gnomAD compares: Non-Finnish European, 0.0016%; no homozygotes.

Submissions (6):

Labcorp Genetics (formerly Invitae), Labcorp
Classification: Uncertain significance for Arrhythmogenic right ventricular dysplasia 9. Last evaluated: 2024-12-18. Review status: criteria provided, single submitter. Criteria: Invitae Variant Classification Sherloc (09022015). Collection method: clinical testing. Allele origin: germline.
Comment: This sequence change replaces asparagine, which is neutral and polar, with lysine, which is basic and polar, at codon 512 of the PKP2 protein (p.Asn512Lys). This variant is present in population databases (no rsID available, gnomAD 0.002%). This missense change has been observed in individual(s) with dilated cardiomyopathy (PMID: 31333075). ClinVar contains an entry for this variant (Variation ID: 691835). An algorithm developed to predict the effect of missense changes on protein structure and function (PolyPhen-2) suggests that this variant is likely to be disruptive. In summary, the available evidence is currently insufficient to determine the role of this variant in disease. Therefore, it has been classified as a Variant of Uncertain Significance.

All of Us Research Program, National Institutes of Health
Classification: Uncertain significance for Arrhythmogenic right ventricular cardiomyopathy. Last evaluated: 2024-08-13. Review status: criteria provided, single submitter. Criteria: ACMG Guidelines, 2015. Collection method: clinical testing. Allele origin: germline. Inheritance: Autosomal dominant inheritance. Observed: 16 variant alleles, 16 heterozygotes.
Comment: This missense variant replaces asparagine with lysine at codon 512 of the PKP2 protein. Computational prediction suggests that this variant may not impact protein structure and function (internally defined REVEL score threshold <= 0.5, PMID: 27666373). To our knowledge, functional studies have not been performed for this variant. This variant has been identified in 4/282242 chromosomes in the general population by the Genome Aggregation Database (gnomAD). The available evidence is insufficient to determine the role of this variant in disease conclusively. Therefore, this variant is classified as a Variant of Uncertain Significance.

This study involves interpretation of variants in research participants for the purpose of population health screening. Participant phenotype was not available at the time of variant classification. Additional details can be found in publication PMID: 35346344, PMCID: PMC8962531

Blueprint Genetics
Classification: Uncertain significance. Last evaluated: 2024-08-09. Review status: criteria provided, single submitter. Criteria: ACMG Guidelines, 2015. Collection method: clinical testing. Allele origin: germline.

Color Diagnostics, LLC DBA Color Health
Classification: Uncertain significance for Cardiomyopathy. Last evaluated: 2024-07-26. Review status: criteria provided, single submitter. Criteria: ACMG Guidelines, 2015. Collection method: clinical testing. Allele origin: germline.
Comment: This missense variant replaces asparagine with lysine at codon 512 of the PKP2 protein. Computational prediction suggests that this variant may not impact protein structure and function. To our knowledge, functional studies have not been reported for this variant. This variant has been identified in 4/282242 chromosomes in the general population by the Genome Aggregation Database (gnomAD). The available evidence is insufficient to determine the role of this variant in disease conclusively. Therefore, this variant is classified as a Variant of Uncertain Significance.

Ambry Genetics
Classification: Uncertain significance for Cardiovascular phenotype. Last evaluated: 2023-09-07. Review status: criteria provided, single submitter. Criteria: Ambry Variant Classification Scheme 2023. Collection method: clinical testing. Allele origin: germline.
Comment: The p.N512K variant (also known as c.1536T>A), located in coding exon 7 of the PKP2 gene, results from a T to A substitution at nucleotide position 1536. The asparagine at codon 512 is replaced by lysine, an amino acid with similar properties. This alteration has been reported in a cardiomyopathy cohort (K&uuml;hnisch J et al. Clin Genet, 2019 Dec;96:549-559). This amino acid position is not well conserved in available vertebrate species. In addition, this alteration is predicted to be tolerated by in silico analysis. Since supporting evidence is limited at this time, the clinical significance of this alteration remains unclear.

Klaassen Lab, Charite University Medicine Berlin
Classification: Uncertain significance for Primary dilated cardiomyopathy. Last evaluated: 2019-07-03. Review status: criteria provided, single submitter. Criteria: ACMG Guidelines, 2015. Collection method: research. Allele origin: germline. Affected: yes.

Literature cited by the submitters: PubMed 31333075 (cited by 4 submitters); PubMed 31568572 (cited by Ambry Genetics and Klaassen Lab, Charite University Medicine Berlin).

NM_001005242.3(PKP2):c.1404T>A (p.Asn468Lys)

Gene: PKP2 (plakophilin 2; minus strand). Cytogenetic location: 12p11.21.
Variant type: single nucleotide variant.
Coding change: c.1404T>A on transcript NM_001005242.3 (MANE Select); coding-DNA position 1404, T replaced by A.
Protein change: p.Asn468Lys; replaces asparagine 468 with lysine.
Molecular consequence: missense variant.
Genome position (GRCh38, 1-based): chr12:32,841,180, A>T on the plus strand (T>A on the coding strand, the complement: PKP2 is on the minus strand). VCF-style: chr12-32841180-A-T. GRCh37 (hg19) VCF-style: chr12-32994114-A-T.
Other names: c.1536T>A, p.Asn512Lys (NM_004572.4); short protein forms N468K, N512K.
Identifiers: ClinVar variation 691835 (VCV000691835.16), dbSNP rs1208347768, ClinGen allele CA384368075.